The following is an entry in ClinVar:

ClinVar aggregate classification (germline): Likely benign (1 of 4 stars; one submission).

Conditions:
ATXN7-related disorder. Also called: ATXN7-related condition.

Submission:

PreventionGenetics, part of Exact Sciences
Classification: Likely benign for ATXN7-related condition. Last evaluated: 2025-08-26. Review status: criteria provided, single submitter. Criteria: ACMG Guidelines, 2015. Collection method: clinical testing. Allele origin: germline.
Comment: This variant is classified as likely benign based on ACMG/AMP sequence variant interpretation guidelines (Richards et al. 2015 PMID: 25741868, with internal and published modifications).

NM_001377405.1(ATXN7):c.2661+1149del

Gene: ATXN7 (ataxin 7; plus strand). Cytogenetic location: 3p14.1.
Variant type: Deletion.
Coding change: c.2661+1149del on transcript NM_001377405.1 (MANE Select); 1149 bases into the intron after coding-DNA position 2661, one base deleted (A; older notation c.2661+1149delA).
Molecular consequence: intron variant. On other transcripts: frameshift variant (2).
Genome position (GRCh38, 1-based): chr3:63,997,632, A deleted. VCF-style (leftmost placement, unchanged base first): chr3-63997631-CA-C. GRCh37 (hg19) VCF-style: chr3-63983307-CA-C.
Other names: c.2673del, p.Pro892fs (NM_001177387.1); c.2661+1149del (NM_000333.4, NM_001377406.1); c.2226+1149del (NM_001128149.3); c.2673delA (NM_001177387.1); short protein forms P892fs.
Identifiers: ClinVar variation 4989484 (VCV004989484.1).
Genomic context (GRCh38, chr3:63,997,631, plus strand): 5'-CTTTGCTCTAACTTCCAGCTCATCTCTCATCTTGTTATTTTATTCATCAGGATATCTCCT[CA>C]CCTTGCTTACGAACAGGAATTTCAGCAACATCACCCCAGAGCCCTGACTTAAAATGTGAG-3'